The following is an entry in ClinVar:

ClinVar aggregate classification (germline): Uncertain significance (1 of 4 stars; one submission).

Conditions:
Seizures, benign familial infantile, 3 (BFIS3). Also called: CONVULSIONS, BENIGN FAMILIAL INFANTILE, 3; Familial neonatal seizures. Identifiers: Orphanet 140927, Orphanet 306, MedGen C1843140, MONDO:0011904, OMIM 607745.
Developmental and epileptic encephalopathy, 11 (DEE11). Also called: Early infantile epileptic encephalopathy 11. Identifiers: Orphanet 1934, MedGen C3150987, MONDO:0013388, OMIM 613721.

Submission:

Labcorp Genetics (formerly Invitae), Labcorp
Classification: Uncertain significance for Seizures, benign familial infantile, 3; Developmental and epileptic encephalopathy, 11. Last evaluated: 2023-03-08. Review status: criteria provided, single submitter. Criteria: Invitae Variant Classification Sherloc (09022015). Collection method: clinical testing. Allele origin: germline.
Comment: In summary, the available evidence is currently insufficient to determine the role of this variant in disease. Therefore, it has been classified as a Variant of Uncertain Significance. Advanced modeling of protein sequence and biophysical properties (such as structural, functional, and spatial information, amino acid conservation, physicochemical variation, residue mobility, and thermodynamic stability) performed at Invitae indicates that this missense variant is expected to disrupt SCN2A protein function. This variant has not been reported in the literature in individuals affected with SCN2A-related conditions. This variant is not present in population databases (gnomAD no frequency). This sequence change replaces glutamic acid, which is acidic and polar, with glycine, which is neutral and non-polar, at codon 1894 of the SCN2A protein (p.Glu1894Gly).

NM_001040142.2(SCN2A):c.5681A>G (p.Glu1894Gly)

Gene: SCN2A (sodium voltage-gated channel alpha subunit 2; plus strand). Cytogenetic location: 2q24.3.
Variant type: single nucleotide variant.
Coding change: c.5681A>G on transcript NM_001040142.2 (MANE Select); coding-DNA position 5681, A replaced by G.
Protein change: p.Glu1894Gly; replaces glutamic acid 1894 with glycine.
Molecular consequence: missense variant.
Genome position (GRCh38, 1-based): chr2:165,389,487, A>G. VCF-style: chr2-165389487-A-G. GRCh37 (hg19) VCF-style: chr2-166245997-A-G.
Other names: c.5681A>G, p.Glu1894Gly (NM_001040143.2, NM_001371246.1, NM_001371247.1 and 1 more transcripts); short protein forms E1894G.
Identifiers: ClinVar variation 2944516 (VCV002944516.3), dbSNP rs2468160080, ClinGen allele CA349039799.
Genomic context (GRCh38, chr2:165,389,487, plus strand): 5'-CCCTTCGAATACAGATGGAAGAGCGATTCATGGCATCAAACCCCTCCAAAGTCTCTTATG[A>G]GCCCATTACGACCACGTTGAAACGCAAACAAGAGGAGGTGTCTGCTATTATTATCCAGAG-3'
Protein context (NP_001035232.1, residues 1884-1904): MASNPSKVSY[Glu1894Gly]PITTTLKRKQ